The following is an entry in ClinVar:

NM_032119.4(ADGRV1):c.2042G>A (p.Gly681Glu)

Gene: ADGRV1 (adhesion G protein-coupled receptor V1; plus strand). Cytogenetic location: 5q14.3.
Variant type: single nucleotide variant.
Coding change: c.2042G>A on transcript NM_032119.4 (MANE Select); coding-DNA position 2042, G replaced by A.
Protein change: p.Gly681Glu; replaces glycine 681 with glutamic acid.
Molecular consequence: missense variant. On other transcripts: non-coding transcript variant (1).
Genome position (GRCh38, 1-based): chr5:90,637,750, G>A. VCF-style: chr5-90637750-G-A. GRCh37 (hg19) VCF-style: chr5-89933567-G-A.
Other names: short protein forms G681E.
Identifiers: ClinVar variation 3672220 (VCV003672220.2).

ClinVar aggregate classification (germline): Uncertain significance (1 of 4 stars; one submission).

Submission:

Labcorp Genetics (formerly Invitae), Labcorp
Classification: Uncertain significance. Last evaluated: 2024-06-18. Review status: criteria provided, single submitter. Criteria: Invitae Variant Classification Sherloc (09022015). Collection method: clinical testing. Allele origin: germline.
Comment: This sequence change replaces glycine, which is neutral and non-polar, with glutamic acid, which is acidic and polar, at codon 681 of the ADGRV1 protein (p.Gly681Glu). This variant is not present in population databases (gnomAD no frequency). This variant has not been reported in the literature in individuals affected with ADGRV1-related conditions. Advanced modeling of protein sequence and biophysical properties (such as structural, functional, and spatial information, amino acid conservation, physicochemical variation, residue mobility, and thermodynamic stability) has been performed at Invitae for this missense variant, however the output from this modeling did not meet the statistical confidence thresholds required to predict the impact of this variant on ADGRV1 protein function. In summary, the available evidence is currently insufficient to determine the role of this variant in disease. Therefore, it has been classified as a Variant of Uncertain Significance.